The following is an entry in ClinVar:

NM_000343.4(SLC5A1):c.625G>T (p.Val209Leu)

Gene: SLC5A1 (solute carrier family 5 member 1; plus strand). Cytogenetic location: 22q12.3.
Variant type: single nucleotide variant.
Coding change: c.625G>T on transcript NM_000343.4 (MANE Select); coding-DNA position 625, G replaced by T.
Protein change: p.Val209Leu; replaces valine 209 with leucine.
Molecular consequence: missense variant.
Genome position (GRCh38, 1-based): chr22:32,083,115, G>T. VCF-style: chr22-32083115-G-T. GRCh37 (hg19) VCF-style: chr22-32479102-G-T.
Other names: c.244G>T, p.Val82Leu (NM_001256314.2); short protein forms V209L, V82L.
Identifiers: ClinVar variation 779659 (VCV000779659.17), dbSNP rs150117594, ClinGen allele CA10198027.

ClinVar aggregate classification (germline): Conflicting classifications of pathogenicity. Review status: criteria provided, conflicting classifications (1 of 4 stars). 4 submissions from 4 submitters: Uncertain significance (1); Likely benign (2). 1 of the submissions does not count toward it. Last evaluated 2026-01-27.

Conditions:
SLC5A1-related disorder. Also called: SLC5A1-related condition.
Congenital glucose-galactose malabsorption (GGM). Also called: MONOSACCHARIDE MALABSORPTION; DIARRHEA 16. Identifiers: Orphanet 35710, MedGen C0268186, MONDO:0011731, OMIM 606824.

Allele frequency attached by ClinVar (database versions not stated): 1000 Genomes Project 30x 0.00016; 1000 Genomes Project 0.00020; TOPMed 0.00130; gnomAD exomes 0.00160 and 0.00202; ExAC 0.00189; ESP Exome Variant Server 0.00200; gnomAD 0.00250 and 0.00264.
gnomAD v4.1: 2,686 of 1,614,218 alleles (0.17%); highest among the groups gnomAD compares: Non-Finnish European, 0.17%; 14 homozygotes.

Submissions (4):

Labcorp Genetics (formerly Invitae), Labcorp
Classification: Likely benign for Congenital glucose-galactose malabsorption. Last evaluated: 2026-01-27. Review status: criteria provided, single submitter. Criteria: Invitae Variant Classification Sherloc (09022015). Collection method: clinical testing. Allele origin: germline.

Blueprint Genetics
Classification: Likely benign. Last evaluated: 2024-11-28. Review status: criteria provided, single submitter. Criteria: ACMG Guidelines, 2015. Collection method: clinical testing. Allele origin: germline.

Illumina Laboratory Services, Illumina
Classification: Uncertain significance for Congenital glucose-galactose malabsorption. Last evaluated: 2018-01-13. Review status: criteria provided, single submitter. Criteria: ICSL Variant Classification Criteria 13 December 2019. Collection method: clinical testing. Allele origin: germline.

PreventionGenetics, part of Exact Sciences
Classification: Benign for SLC5A1-related condition. Last evaluated: 2019-11-19. Review status: no assertion criteria provided. Collection method: clinical testing. Allele origin: germline. Not counted in ClinVar's aggregate classification.
Comment: This variant is classified as benign based on ACMG/AMP sequence variant interpretation guidelines (Richards et al. 2015 PMID: 25741868, with internal and published modifications).